The following is an entry in ClinVar:

NM_031935.3(HMCN1):c.10358C>A (p.Thr3453Asn)

Gene: HMCN1 (hemicentin 1; plus strand). Cytogenetic location: 1q31.1.
Variant type: single nucleotide variant.
Coding change: c.10358C>A on transcript NM_031935.3 (MANE Select); coding-DNA position 10358, C replaced by A.
Protein change: p.Thr3453Asn; replaces threonine 3453 with asparagine.
Molecular consequence: missense variant.
Genome position (GRCh38, 1-based): chr1:186,095,306, C>A. VCF-style: chr1-186095306-C-A. GRCh37 (hg19) VCF-style: chr1-186064438-C-A.
Other names: short protein forms T3453N.
Identifiers: ClinVar variation 3718758 (VCV003718758.2).

ClinVar aggregate classification (germline): Uncertain significance (1 of 4 stars; one submission).

gnomAD v4.1: 12 of 1,613,628 alleles (0.00074%); highest among the groups gnomAD compares: Admixed American, 0.02%; no homozygotes.

Submission:

Labcorp Genetics (formerly Invitae), Labcorp
Classification: Uncertain significance. Last evaluated: 2024-06-23. Review status: criteria provided, single submitter. Criteria: Invitae Variant Classification Sherloc (09022015). Collection method: clinical testing. Allele origin: germline.
Comment: This sequence change replaces threonine, which is neutral and polar, with asparagine, which is neutral and polar, at codon 3453 of the HMCN1 protein (p.Thr3453Asn). This variant is present in population databases (rs767967183, gnomAD 0.04%), and has an allele count higher than expected for a pathogenic variant. This variant has not been reported in the literature in individuals affected with HMCN1-related conditions. An algorithm developed to predict the effect of missense changes on protein structure and function (PolyPhen-2) suggests that this variant is likely to be disruptive. In summary, the available evidence is currently insufficient to determine the role of this variant in disease. Therefore, it has been classified as a Variant of Uncertain Significance.